The following is an entry in ClinVar:

NM_000492.4(CFTR):c.2998del (p.Ile1000fs)

Genes: CFTR (CF transmembrane conductance regulator; plus strand), CFTR-AS2 (CFTR antisense RNA 2; minus strand), LOC111674472 (DNase I hypersensitive sites in introns 16 and 17a of CFTR; plus strand). Cytogenetic location: 7q31.2.
Variant type: Deletion.
Coding change: c.2998del on transcript NM_000492.4 (MANE Select); coding-DNA position 2998, one base deleted (A; older notation c.2998delA).
Protein change: p.Ile1000fs; shifts the reading frame from isoleucine 1000.
Molecular consequence: frameshift variant.
Genome position (GRCh38, 1-based): chr7:117,610,528, A deleted; the last of 2 consecutive A bases (chr7:117,610,527-117,610,528); deleting either gives the same sequence. VCF-style (leftmost placement, unchanged base first): chr7-117610526-TA-T. GRCh37 (hg19) VCF-style: chr7-117250580-TA-T.
Other names: c.2998delA (NM_000492.4, NM_000492.3); short protein forms I1000fs.
Identifiers: ClinVar variation 53620 (VCV000053620.7), dbSNP rs397508475, ClinGen allele CA327002.

ClinVar aggregate classification (germline): Pathogenic. Review status: criteria provided, multiple submitters, no conflicts (2 of 4 stars). 5 submissions from 5 submitters: Pathogenic (4). 1 of the submissions does not count toward it. Last evaluated 2026-02-05.

Conditions:
CFTR-related disorder (CFTR-RD). Also called: CFTR-related disorders; CFTR-related condition. Identifiers: MedGen C5924204, MONDO:7770004.
Cystic fibrosis (CF). Also called: MUCOVISCIDOSIS. Identifiers: Orphanet 586, MedGen C0010674, MONDO:0009061, OMIM 219700. Disease mechanism: loss of function.

Submissions (5):

Women's Health and Genetics/Laboratory Corporation of America, LabCorp
Classification: Pathogenic for Cystic fibrosis. Last evaluated: 2026-02-05. Review status: criteria provided, single submitter. Criteria: LabCorp Variant Classification Summary - May 2015. Collection method: clinical testing. Allele origin: germline.
Comment: Variant summary: CFTR c.2998delA (p.Ile1000LeufsX2) results in a premature termination codon, predicted to cause a truncation of the encoded protein or absence of the protein due to nonsense mediated decay, which are commonly known mechanisms for disease. The variant was absent in 251092 control chromosomes. c.2998delA has been observed in the homozygous state in at least 1 individual(s) affected with Cystic Fibrosis (example, Lakeman_2008). These report(s) do not provide unequivocal conclusions about association of the variant with Cystic Fibrosis. The following publication has been ascertained in the context of this evaluation (PMID: 18373402). ClinVar contains an entry for this variant (Variation ID: 53620). Based on the evidence outlined above, the variant was classified as pathogenic.

Natera, Inc.
Classification: Pathogenic for CFTR-related disorders. Last evaluated: 2024-11-19. Review status: criteria provided, single submitter. Criteria: Natera Variant Classification Schema (03/2026). Collection method: clinical testing. Allele origin: germline.
Comment: The c.2998delA variant in CFTR is a frameshift variant predicted to shift the reading frame beginning at codon 1000 and leads to a stop codon 2 codons downstream. This variant is expected to result in nonsense mediated decay, truncation, or a dysfunctional protein product. This variant is rare in the general population with a frequency below the threshold expected for the associated phenotype(s). This variant has been observed in one or more individuals affected with the associated recessive disease, as either homozygous or compound heterozygous with a second variant (PMID: 17662673). Given the available evidence, this variant is classified as Pathogenic.

Labcorp Genetics (formerly Invitae), Labcorp
Classification: Pathogenic for Cystic fibrosis. Last evaluated: 2023-10-29. Review status: criteria provided, single submitter. Criteria: Invitae Variant Classification Sherloc (09022015). Collection method: clinical testing. Allele origin: germline.
Comment: This sequence change creates a premature translational stop signal (p.Ile1000Leufs*2) in the CFTR gene. It is expected to result in an absent or disrupted protein product. Loss-of-function variants in CFTR are known to be pathogenic (PMID: 1695717, 7691345, 9725922). This variant is not present in population databases (gnomAD no frequency). This premature translational stop signal has been observed in individual(s) with clinical features of CFTR-related conditions (PMID: 22724884, 25122143). This variant is also known as c.3130delA . ClinVar contains an entry for this variant (Variation ID: 53620). For these reasons, this variant has been classified as Pathogenic.

Clinical Genetics Laboratory, Skane University Hospital Lund
Classification: Pathogenic. Last evaluated: 2022-06-15. Review status: criteria provided, single submitter. Criteria: ACMG Guidelines, 2015. Collection method: clinical testing. Allele origin: germline. Affected: yes.

ClinVar Staff, National Center for Biotechnology Information (NCBI)
No classification provided. Condition: CFTR-related disorders. Review status: no classification provided. Collection method: literature only. Allele origin: germline. Affected: yes. Not counted in ClinVar's aggregate classification.

Literature cited by the submitters: PubMed 18373402 (cited by Women's Health and Genetics/Laboratory Corporation of America, LabCorp); PubMed 17662673 (cited by Natera, Inc.); PubMed 1695717 (cited by Labcorp Genetics (formerly Invitae), Labcorp); PubMed 7691345 (cited by Labcorp Genetics (formerly Invitae), Labcorp); PubMed 9725922 (cited by Labcorp Genetics (formerly Invitae), Labcorp); PubMed 22724884 (cited by Labcorp Genetics (formerly Invitae), Labcorp); PubMed 25122143 (cited by Labcorp Genetics (formerly Invitae), Labcorp); PubMed 18456578 (cited by ClinVar Staff, National Center for Biotechnology Information (NCBI)).